The following is an entry in ClinVar:

NM_000388.4(CASR):c.2690A>G (p.Lys897Arg)

Gene: CASR (calcium sensing receptor; plus strand). Cytogenetic location: 3q21.1.
Variant type: single nucleotide variant.
Coding change: c.2690A>G on transcript NM_000388.4 (MANE Select); coding-DNA position 2690, A replaced by G.
Protein change: p.Lys897Arg; replaces lysine 897 with arginine.
Molecular consequence: missense variant.
Genome position (GRCh38, 1-based): chr3:122,284,644, A>G. VCF-style: chr3-122284644-A-G. GRCh37 (hg19) VCF-style: chr3-122003491-A-G.
Other names: c.2720A>G, p.Lys907Arg (NM_001178065.2); short protein forms K897R, K907R.
Identifiers: ClinVar variation 821677 (VCV000821677.4), dbSNP rs897282559, ClinGen allele CA82749167.

ClinVar aggregate classification (germline): Uncertain significance (1 of 4 stars; one submission).

Conditions:
Nephrolithiasis/nephrocalcinosis. Identifiers: MedGen CN580796.

Allele frequency attached by ClinVar (database versions not stated): gnomAD exomes below 0.00001.
gnomAD v4.1: 1 of 1,613,982 alleles (0.000062%); highest among the groups gnomAD compares: Non-Finnish European, 0.000085%; no homozygotes.

Submission:

Ambry Genetics
Classification: Uncertain significance for Nephrolithiasis/nephrocalcinosis. Last evaluated: 2023-04-18. Review status: criteria provided, single submitter. Criteria: Ambry Variant Classification Scheme 2023. Collection method: clinical testing. Allele origin: germline.
Comment: The p.K897R variant (also known as c.2690A>G), located in coding exon 6 of the CASR gene, results from an A to G substitution at nucleotide position 2690. The lysine at codon 897 is replaced by arginine, an amino acid with highly similar properties. This amino acid position is not well conserved in available vertebrate species. In addition, this alteration is predicted to be tolerated by in silico analysis. Since supporting evidence is limited at this time, the clinical significance of this alteration remains unclear.